The following is an entry in ClinVar:

ClinVar aggregate classification (germline): Pathogenic (1 of 4 stars; one submission).

Submission:

Labcorp Genetics (formerly Invitae), Labcorp
Classification: Pathogenic. Last evaluated: 2022-09-19. Review status: criteria provided, single submitter. Criteria: Invitae Variant Classification Sherloc (09022015). Collection method: clinical testing. Allele origin: germline.
Comment: This sequence change replaces valine, which is neutral and non-polar, with methionine, which is neutral and non-polar, at codon 242 of the BEST1 protein (p.Val242Met). This variant is not present in population databases (gnomAD no frequency). This missense change has been observed in individuals with autosomal dominant Best vitelliform macular dystrophy (PMID: 18766995, 26201355). It has also been observed to segregate with disease in related individuals. Advanced modeling of protein sequence and biophysical properties (such as structural, functional, and spatial information, amino acid conservation, physicochemical variation, residue mobility, and thermodynamic stability) performed at Invitae indicates that this missense variant is expected to disrupt BEST1 protein function. For these reasons, this variant has been classified as Pathogenic.

Literature cited by the submitters: PubMed 18766995; PubMed 26201355.

NM_004183.4(BEST1):c.724G>A (p.Val242Met)

Gene: BEST1 (bestrophin 1; plus strand). Cytogenetic location: 11q12.3.
Variant type: single nucleotide variant.
Coding change: c.724G>A on transcript NM_004183.4 (MANE Select); coding-DNA position 724, G replaced by A.
Protein change: p.Val242Met; replaces valine 242 with methionine.
Molecular consequence: missense variant. On other transcripts: non-coding transcript variant (1).
Genome position (GRCh38, 1-based): chr11:61,958,155, G>A. VCF-style: chr11-61958155-G-A. GRCh37 (hg19) VCF-style: chr11-61725627-G-A.
Other names: c.544G>A, p.Val182Met (NM_001139443.3, NM_001300786.2, NM_001300787.2); c.406G>A, p.Val136Met (NM_001363591.3); c.724G>A, p.Val242Met (NM_001363592.2); c.-452G>A (NM_001363593.3); short protein forms V182M, V242M, V136M.
Identifiers: ClinVar variation 2137117 (VCV002137117.4), dbSNP rs2541383924, ClinGen allele CA380839391.